The following is an entry in ClinVar:

NM_007103.4(NDUFV1):c.454C>T (p.Arg152Cys)

Gene: NDUFV1 (NADH:ubiquinone oxidoreductase core subunit V1; plus strand). Cytogenetic location: 11q13.2.
Variant type: single nucleotide variant.
Coding change: c.454C>T on transcript NM_007103.4 (MANE Select); coding-DNA position 454, C replaced by T.
Protein change: p.Arg152Cys; replaces arginine 152 with cysteine.
Molecular consequence: missense variant.
Genome position (GRCh38, 1-based): chr11:67,609,579, C>T. VCF-style: chr11-67609579-C-T. GRCh37 (hg19) VCF-style: chr11-67377050-C-T.
Other names: c.427C>T, p.Arg143Cys (NM_001166102.2); short protein forms R152C, R143C.
Identifiers: ClinVar variation 451087 (VCV000451087.7), dbSNP rs151144350, ClinGen allele CA6143178.

ClinVar aggregate classification (germline): Uncertain significance. Review status: criteria provided, multiple submitters, no conflicts (2 of 4 stars). 4 submissions from 4 submitters: Uncertain significance (4). Last evaluated 2022-07-14.

Conditions:
Mitochondrial complex I deficiency, nuclear type 1. Also called: NADH-COENZYME Q REDUCTASE DEFICIENCY; MITOCHONDRIAL NADH DEHYDROGENASE COMPONENT OF COMPLEX I, DEFICIENCY OF. Identifiers: MedGen C6022305, MONDO:0100224, OMIM 252010.

Allele frequency attached by ClinVar (database versions not stated): ExAC 0.00007; gnomAD 0.00011 and 0.00012; TOPMed 0.00012; gnomAD exomes 0.00003 and 0.00005; 1000 Genomes Project 0.00040; 1000 Genomes Project 30x 0.00047; ESP Exome Variant Server 0.00008.
gnomAD v4.1: 59 of 1,611,696 alleles (0.0037%); highest among the groups gnomAD compares: African/African-American, 0.037%; no homozygotes.

Submissions (4):

Labcorp Genetics (formerly Invitae), Labcorp
Classification: Uncertain significance. Last evaluated: 2022-07-14. Review status: criteria provided, single submitter. Criteria: Invitae Variant Classification Sherloc (09022015). Collection method: clinical testing. Allele origin: germline.
Comment: This sequence change replaces arginine, which is basic and polar, with cysteine, which is neutral and slightly polar, at codon 152 of the NDUFV1 protein (p.Arg152Cys). This variant is present in population databases (rs151144350, gnomAD 0.03%). This variant has not been reported in the literature in individuals affected with NDUFV1-related conditions. ClinVar contains an entry for this variant (Variation ID: 451087). Algorithms developed to predict the effect of missense changes on protein structure and function are either unavailable or do not agree on the potential impact of this missense change (SIFT: "Deleterious"; PolyPhen-2: "Benign"; Align-GVGD: "Class C0"). In summary, the available evidence is currently insufficient to determine the role of this variant in disease. Therefore, it has been classified as a Variant of Uncertain Significance.

Laboratorio de Genetica e Diagnostico Molecular, Hospital Israelita Albert Einstein
Classification: Uncertain significance. Last evaluated: 2020-09-02. Review status: criteria provided, single submitter. Criteria: ACMG Guidelines, 2015. Collection method: clinical testing. Allele origin: germline. Affected: yes.
Comment: ACMG classification criteria: PM2

Fulgent Genetics
Classification: Uncertain significance for Mitochondrial complex I deficiency, nuclear type 1. Last evaluated: 2018-10-31. Review status: criteria provided, single submitter. Criteria: ACMG Guidelines, 2015. Collection method: clinical testing. Allele origin: unknown.

GeneDx
Classification: Uncertain significance. Last evaluated: 2018-03-09. Review status: criteria provided, single submitter. Criteria: GeneDx Variant Classification (06012015). Collection method: clinical testing. Allele origin: germline. Affected: yes.
Comment: The R152C variant in the NDUFV1 gene has not been reported previously as a pathogenic variant, nor as a benign variant, to our knowledge. This variant is observed in 3/9910 alleles (0.03%) from individuals of African background in the ExAC dataset, with no homozygous control individuals reported (Lek et al., 2016). The R152C variant is a non-conservative amino acid substitution, which is likely to impact secondary protein structure as these residues differ in polarity, charge, size and/or other properties. In addition, this substitution occurs at a position that is conserved across species, and in silico analysis predicts this variant is probably damaging to the protein structure/function. We interpret R152C as a variant of uncertain significance.